The following is an entry in ClinVar:

NM_177438.3(DICER1):c.3658C>T (p.Gln1220Ter)

Gene: DICER1 (dicer 1, ribonuclease III; minus strand). Cytogenetic location: 14q32.13.
Variant type: single nucleotide variant.
Coding change: c.3658C>T on transcript NM_177438.3 (MANE Select); coding-DNA position 3658, C replaced by T.
Protein change: p.Gln1220Ter; replaces glutamine 1220 with a stop codon.
Molecular consequence: nonsense.
Genome position (GRCh38, 1-based): chr14:95,103,738, G>A on the plus strand (C>T on the coding strand, the complement: DICER1 is on the minus strand). VCF-style: chr14-95103738-G-A. GRCh37 (hg19) VCF-style: chr14-95570075-G-A.
Other names: c.3658C>T, p.Gln1220Ter (NM_001195573.1, NM_001271282.3, NM_001291628.2 and 1 more transcripts); short protein forms Q1220*.
Identifiers: ClinVar variation 254326 (VCV000254326.6), dbSNP rs886037707, ClinGen allele CA10586424.

ClinVar aggregate classification (germline): Pathogenic. Review status: criteria provided, multiple submitters, no conflicts (2 of 4 stars). 3 submissions from 3 submitters: Pathogenic (3). Last evaluated 2019-07-01.

Conditions:
Hereditary cancer-predisposing syndrome. Also called: Tumor predisposition; Hereditary Cancer Syndrome; Neoplastic Syndromes, Hereditary; Hereditary neoplastic syndrome. Identifiers: Orphanet 140162, MedGen C0027672, MeSH D009386, MONDO:0015356.
DICER1-related tumor predisposition. Also called: DICER1 syndrome; DICER1-related pleuropulmonary blastoma cancer predisposition syndrome. Identifiers: Orphanet 284343, MedGen C3839822, MONDO:0100216.

Submissions (3):

Foulkes Cancer Genetics LDI, Lady Davis Institute for Medical Research
Classification: Pathogenic for Pleuropulmonary blastoma. Last evaluated: 2019-07-01. Review status: criteria provided, single submitter. Criteria: ACMG Guidelines, 2015. Collection method: curation. Allele origin: germline. Affected: yes. Observed: 2 variant alleles.
Comment: ACMG criteria met: PVS1, PM2, PP4

International Pleuropulmonary Blastoma Registry, Children's Hospitals and Clinics of Minnesota
Classification: Pathogenic for Pleuropulmonary blastoma. Last evaluated: 2014-11-10. Review status: criteria provided, single submitter. Criteria: Hill et al. (Science. 2009). Collection method: clinical testing. Allele origin: germline. Affected: yes. Study: PPB-DICER1 Genetic study.

Ambry Genetics
Classification: Pathogenic for Hereditary cancer-predisposing syndrome. Last evaluated: 2011-08-26. Review status: criteria provided, single submitter. Criteria: Ambry Autosomal Dominant and X-Linked criteria (10/2015). Collection method: clinical testing. Allele origin: germline. Observed: 1 variant allele.
Comment: This alteration is expected to result in loss of function by premature protein truncation or nonsense-mediatedâ€¯mRNAâ€¯decay.â€¯As such, this alteration is interpreted as a disease-causing mutation.

Literature cited by the submitters: PubMed 26925222 (cited by Foulkes Cancer Genetics LDI, Lady Davis Institute for Medical Research and International Pleuropulmonary Blastoma Registry, Children's Hospitals and Clinics of Minnesota); PubMed 30339877 (cited by Foulkes Cancer Genetics LDI, Lady Davis Institute for Medical Research).